The following is an entry in ClinVar:

ClinVar aggregate classification (germline): Uncertain significance (1 of 4 stars; one submission).

Conditions:
Congenital myasthenic syndrome 17. Identifiers: Orphanet 590, MedGen C4225377, MONDO:0014578, OMIM 616304.
Cenani-Lenz syndactyly syndrome. Also called: SYNDACTYLY, TYPE VII; CENANI SYNDACTYLISM. Identifiers: Orphanet 3258, MedGen C1859309, MONDO:0008931, OMIM 212780.
Sclerosteosis 2 (SOST2). Identifiers: Orphanet 3152, MedGen C3280402, MONDO:0013679, OMIM 614305.

Allele frequency attached by ClinVar (database versions not stated): gnomAD exomes 0.00001; TOPMed 0.00002.

Submission:

Labcorp Genetics (formerly Invitae), Labcorp
Classification: Uncertain significance for Cenani-Lenz syndactyly syndrome; Sclerosteosis 2; Congenital myasthenic syndrome 17. Last evaluated: 2022-02-06. Review status: criteria provided, single submitter. Criteria: Invitae Variant Classification Sherloc (09022015). Collection method: clinical testing. Allele origin: germline.
Comment: This sequence change replaces arginine, which is basic and polar, with histidine, which is basic and polar, at codon 288 of the LRP4 protein (p.Arg288His). This variant is present in population databases (no rsID available, gnomAD 0.0009%). This variant has not been reported in the literature in individuals affected with LRP4-related conditions. Algorithms developed to predict the effect of missense changes on protein structure and function are either unavailable or do not agree on the potential impact of this missense change (SIFT: "Deleterious"; PolyPhen-2: "Benign"; Align-GVGD: "Class C0"). In summary, the available evidence is currently insufficient to determine the role of this variant in disease. Therefore, it has been classified as a Variant of Uncertain Significance.

NM_002334.4(LRP4):c.863G>A (p.Arg288His)

Gene: LRP4 (LDL receptor related protein 4; minus strand). Cytogenetic location: 11p11.2.
Variant type: single nucleotide variant.
Coding change: c.863G>A on transcript NM_002334.4 (MANE Select); coding-DNA position 863, G replaced by A.
Protein change: p.Arg288His; replaces arginine 288 with histidine.
Molecular consequence: missense variant.
Genome position (GRCh38, 1-based): chr11:46,896,928, C>T on the plus strand (G>A on the coding strand, the complement: LRP4 is on the minus strand). VCF-style: chr11-46896928-C-T. GRCh37 (hg19) VCF-style: chr11-46918479-C-T.
Other names: short protein forms R288H.
Identifiers: ClinVar variation 2187094 (VCV002187094.1), dbSNP rs1285042004, ClinGen allele CA380287941.
Genomic context (GRCh38, chr11:46,896,928, plus strand): 5'-CCTGTATTCTCACAGTTCTCTTCATCGCTGTTGTCTGCACAGTCGTCCTCCCCATCACAG[C>T]GCCAGGACAGGCGGACACAGCGGCCTGAGTGACAGCGGAACTGTTCTGCCGTACACATGG-3'
Protein context (NP_002325.2, residues 278-298): HSGRCVRLSW[Arg288His]CDGEDDCADN